The following is an entry in ClinVar:

NM_001776.6(ENTPD1):c.1339G>A (p.Asp447Asn)

Genes: ENTPD1 (ectonucleoside triphosphate diphosphohydrolase 1; plus strand), ENTPD1-AS1 (ENTPD1 antisense RNA 1; minus strand). Cytogenetic location: 10q24.1.
Variant type: single nucleotide variant.
Coding change: c.1339G>A on transcript NM_001776.6 (MANE Select); coding-DNA position 1339, G replaced by A.
Protein change: p.Asp447Asn; replaces aspartic acid 447 with asparagine.
Molecular consequence: missense variant. On other transcripts: intron variant (1).
Genome position (GRCh38, 1-based): chr10:95,866,189, G>A. VCF-style: chr10-95866189-G-A. GRCh37 (hg19) VCF-style: chr10-97625946-G-A.
Other names: c.1360G>A, p.Asp454Asn (NM_001098175.2); c.1375G>A, p.Asp459Asn (NM_001164178.1); c.1216G>A, p.Asp406Asn (NM_001164179.2); c.1015G>A, p.Asp339Asn (NM_001164181.1, NM_001312654.1); c.925G>A, p.Asp309Asn (NM_001164182.2, NM_001164183.2); c.1362+1328G>A (NM_001320916.1); short protein forms D309N, D339N, D406N, D447N, D454N, D459N.
Identifiers: ClinVar variation 1053783 (VCV001053783.7), dbSNP rs1312380068, ClinGen allele CA377824758.

ClinVar aggregate classification (germline): Uncertain significance (1 of 4 stars; one submission).

Conditions:
Hereditary spastic paraplegia 64. Also called: Spastic paraplegia 64, autosomal recessive; ENTPD1-Related Neurodevelopmental Disorder. Identifiers: Orphanet 401810, MedGen C3810289, MONDO:0014303, OMIM 615683.

Allele frequency attached by ClinVar (database versions not stated): gnomAD exomes below 0.00001 and 0.00001; gnomAD 0.00001 and 0.00002; TOPMed 0.00001.
gnomAD v4.1: 10 of 1,613,616 alleles (0.00062%); highest among the groups gnomAD compares: African/African-American, 0.004%; no homozygotes.

Submission:

Labcorp Genetics (formerly Invitae), Labcorp
Classification: Uncertain significance for Hereditary spastic paraplegia 64. Last evaluated: 2025-07-14. Review status: criteria provided, single submitter. Criteria: Invitae Variant Classification Sherloc (09022015). Collection method: clinical testing. Allele origin: germline.
Comment: This sequence change replaces aspartic acid, which is acidic and polar, with asparagine, which is neutral and polar, at codon 447 of the ENTPD1 protein (p.Asp447Asn). This variant is present in population databases (no rsID available, gnomAD 0.0009%). This variant has not been reported in the literature in individuals affected with ENTPD1-related conditions. ClinVar contains an entry for this variant (Variation ID: 1053783). Invitae Evidence Modeling of protein sequence and biophysical properties (such as structural, functional, and spatial information, amino acid conservation, physicochemical variation, residue mobility, and thermodynamic stability) indicates that this missense variant is not expected to disrupt ENTPD1 protein function with a negative predictive value of 80%. In summary, the available evidence is currently insufficient to determine the role of this variant in disease. Therefore, it has been classified as a Variant of Uncertain Significance.